The following is an entry in ClinVar:

NM_006218.4(PIK3CA):c.2056C>A (p.Leu686Met)

Gene: PIK3CA (phosphatidylinositol-4,5-bisphosphate 3-kinase catalytic subunit alpha; plus strand). Cytogenetic location: 3q26.32.
Variant type: single nucleotide variant.
Coding change: c.2056C>A on transcript NM_006218.4 (MANE Select); coding-DNA position 2056, C replaced by A.
Protein change: p.Leu686Met; replaces leucine 686 with methionine.
Molecular consequence: missense variant.
Genome position (GRCh38, 1-based): chr3:179,221,026, C>A. VCF-style: chr3-179221026-C-A. GRCh37 (hg19) VCF-style: chr3-178938814-C-A.
Other names: short protein forms L686M.
Identifiers: ClinVar variation 1035797 (VCV001035797.9), dbSNP rs1724954145, ClinGen allele CA355268829.

ClinVar aggregate classification (germline): Uncertain significance (1 of 4 stars; one submission).

Conditions:
Cowden syndrome (CS). Also called: Cowden's disease; Cowden's syndrome; Cowden disease. Identifiers: Orphanet 201, MedGen C0018553, MONDO:0016063. Disease mechanism: gain of function.

Submission:

Labcorp Genetics (formerly Invitae), Labcorp
Classification: Uncertain significance for Cowden syndrome. Last evaluated: 2020-07-12. Review status: criteria provided, single submitter. Criteria: Invitae Variant Classification Sherloc (09022015). Collection method: clinical testing. Allele origin: germline.
Comment: In summary, the available evidence is currently insufficient to determine the role of this variant in disease. Therefore, it has been classified as a Variant of Uncertain Significance. Algorithms developed to predict the effect of missense changes on protein structure and function are either unavailable or do not agree on the potential impact of this missense change (SIFT: "Deleterious"; PolyPhen-2: "Probably Damaging"; Align-GVGD: "Class C0"). This variant has not been reported in the literature in individuals with PIK3CA-related conditions. This variant is not present in population databases (ExAC no frequency). This sequence change replaces leucine with methionine at codon 686 of the PIK3CA protein (p.Leu686Met). The leucine residue is highly conserved and there is a small physicochemical difference between leucine and methionine.